The following is an entry in ClinVar:

ClinVar aggregate classification (germline): Uncertain significance (1 of 4 stars; one submission).

Submission:

Labcorp Genetics (formerly Invitae), Labcorp
Classification: Uncertain significance. Last evaluated: 2022-05-27. Review status: criteria provided, single submitter. Criteria: Invitae Variant Classification Sherloc (09022015). Collection method: clinical testing. Allele origin: germline.
Comment: In summary, the available evidence is currently insufficient to determine the role of this variant in disease. Therefore, it has been classified as a Variant of Uncertain Significance. Algorithms developed to predict the effect of sequence changes on RNA splicing suggest that this variant may disrupt the consensus splice site. This variant has not been reported in the literature in individuals affected with EGF-related conditions. This variant is present in population databases (rs767856854, gnomAD 0.01%). This sequence change falls in intron 6 of the EGF gene. It does not directly change the encoded amino acid sequence of the EGF protein.

NM_001963.6(EGF):c.1066+7_1066+30del

Gene: EGF (epidermal growth factor; plus strand). Cytogenetic location: 4q25.
Variant type: Deletion.
Coding change: c.1066+7_1066+30del on transcript NM_001963.6 (MANE Select); bases 7 to 30 of the intron after coding-DNA position 1066, 24 bases deleted (ACTGGAAGTACTGTGAAGGTAATG).
Molecular consequence: splice donor variant. On other transcripts: intron variant (2).
Genome position (GRCh38, 1-based): chr4:109,959,444-109,959,467, ACTGGAAGTACTGTGAAGGTAATG deleted; deleting any 24 consecutive bases within chr4:109,959,423-109,959,467 gives the same sequence; the c. name uses the placement nearest the transcript's 3' end. VCF-style (leftmost placement, unchanged base first): chr4-109959422-CGGAAGTACTGTGAAGGTAATGACT-C. GRCh37 (hg19) VCF-style: chr4-110880578-CGGAAGTACTGTGAAGGTAATGACT-C.
Other names: c.1066+7_1066+30del (NM_001178130.3); c.941-1423_941-1400del (NM_001178131.3, NM_001357021.2).
Identifiers: ClinVar variation 1920262 (VCV001920262.5), dbSNP rs760103609, ClinGen allele CA3043553.